The following is an entry in ClinVar:

NM_018993.4(RIN2):c.-36-2890G>T

Gene: RIN2 (Ras and Rab interactor 2; plus strand). Cytogenetic location: 20p11.23.
Variant type: single nucleotide variant.
Coding change: c.-36-2890G>T on transcript NM_018993.4 (MANE Select); 2890 bases into the intron before 36 bases upstream of the start codon, G replaced by T.
Molecular consequence: intron variant. On other transcripts: missense variant (1).
Genome position (GRCh38, 1-based): chr20:19,886,676, G>T. VCF-style: chr20-19886676-G-T. GRCh37 (hg19) VCF-style: chr20-19867320-G-T.
Other names: c.7G>T, p.Asp3Tyr (NM_001242581.2); c.-581-2890G>T (NM_001378238.1); short protein forms D3Y.
Identifiers: ClinVar variation 1383748 (VCV001383748.6), dbSNP rs2123471144, ClinGen allele CA408482416.

ClinVar aggregate classification (germline): Uncertain significance (1 of 4 stars; one submission).

Submission:

Labcorp Genetics (formerly Invitae), Labcorp
Classification: Uncertain significance. Last evaluated: 2021-09-29. Review status: criteria provided, single submitter. Criteria: Invitae Variant Classification Sherloc (09022015). Collection method: clinical testing. Allele origin: germline.
Comment: In summary, the available evidence is currently insufficient to determine the role of this variant in disease. Therefore, it has been classified as a Variant of Uncertain Significance. Experimental studies and prediction algorithms are not available or were not evaluated, and the functional significance of this variant is currently unknown. This variant has not been reported in the literature in individuals affected with RIN2-related conditions. The frequency data for this variant in the population databases is considered unreliable, as metrics indicate insufficient coverage at this position in the ExAC database. This sequence change replaces aspartic acid with tyrosine at codon 3 of the RIN2 protein (p.(Asp3Tyr). The RIN2 gene has multiple clinically relevant transcripts. This variant occurs in alternate transcript NM_001242581.1, and corresponds to NM_018993.3:c.-2926G>T in the primary transcript.